The following is an entry in ClinVar:

NM_001563.4(IMPG1):c.1796G>A (p.Arg599Gln)

Gene: IMPG1 (interphotoreceptor matrix proteoglycan 1; minus strand). Cytogenetic location: 6q14.1.
Variant type: single nucleotide variant.
Coding change: c.1796G>A on transcript NM_001563.4 (MANE Select); coding-DNA position 1796, G replaced by A.
Protein change: p.Arg599Gln; replaces arginine 599 with glutamine.
Molecular consequence: missense variant.
Genome position (GRCh38, 1-based): chr6:75,950,590, C>T on the plus strand (G>A on the coding strand, the complement: IMPG1 is on the minus strand). VCF-style: chr6-75950590-C-T. GRCh37 (hg19) VCF-style: chr6-76660307-C-T.
Other names: c.1796G>A (NM_001563.3, NM_001563.2); c.1562G>A, p.Arg521Gln (NM_001282368.2); short protein forms R521Q, R599Q.
Identifiers: ClinVar variation 1460756 (VCV001460756.11), dbSNP rs368049446, ClinGen allele CA3898055.

ClinVar aggregate classification (germline): Conflicting classifications of pathogenicity. Review status: criteria provided, conflicting classifications (1 of 4 stars). 4 submissions from 4 submitters: Uncertain significance (3); Likely benign (1). Last evaluated 2025-11-25.

Conditions:
IMPG1-related disorder. Also called: IMPG1-related condition.

Allele frequency attached by ClinVar (database versions not stated): ExAC 0.00002; gnomAD 0.00002 and 0.00004; gnomAD exomes 0.00002 and 0.00013; TOPMed 0.00005; ESP Exome Variant Server 0.00008.
gnomAD v4.1: 186 of 1,611,728 alleles (0.012%); highest among the groups gnomAD compares: Non-Finnish European, 0.015%; no homozygotes.

Submissions (4):

PreventionGenetics, part of Exact Sciences
Classification: Uncertain significance for IMPG1-related condition. Last evaluated: 2025-11-25. Review status: criteria provided, single submitter. Criteria: ACMG Guidelines, 2015. Collection method: clinical testing. Allele origin: germline.
Comment: The IMPG1 c.1796G>A variant is predicted to result in the amino acid substitution p.Arg599Gln. To our knowledge, this variant has not been reported in the literature. This variant is reported in 0.0055% of alleles in individuals of European (Non-Finnish) descent in gnomAD. At this time, the clinical significance of this variant is uncertain due to the absence of conclusive functional and genetic evidence.

Labcorp Genetics (formerly Invitae), Labcorp
Classification: Uncertain significance. Last evaluated: 2025-10-28. Review status: criteria provided, single submitter. Criteria: Invitae Variant Classification Sherloc (09022015). Collection method: clinical testing. Allele origin: germline.
Comment: This sequence change replaces arginine, which is basic and polar, with glutamine, which is neutral and polar, at codon 599 of the IMPG1 protein (p.Arg599Gln). This variant is present in population databases (rs368049446, gnomAD 0.006%). This variant has not been reported in the literature in individuals affected with IMPG1-related conditions. ClinVar contains an entry for this variant (Variation ID: 1460756). An algorithm developed to predict the effect of missense changes on protein structure and function outputs the following: PolyPhen-2: "Benign". The glutamine amino acid residue is found in multiple mammalian species, which suggests that this missense change does not adversely affect protein function. In summary, the available evidence is currently insufficient to determine the role of this variant in disease. Therefore, it has been classified as a Variant of Uncertain Significance.

Ambry Genetics
Classification: Likely benign. Last evaluated: 2024-04-04. Review status: criteria provided, single submitter. Criteria: Ambry Variant Classification Scheme 2023. Collection method: clinical testing. Allele origin: germline.

Blueprint Genetics
Classification: Uncertain significance. Last evaluated: 2023-11-01. Review status: criteria provided, single submitter. Criteria: ACMG Guidelines, 2015. Collection method: clinical testing. Allele origin: germline.